The following is an entry in ClinVar:

ClinVar aggregate classification (germline): Likely benign (1 of 4 stars; one submission).

Conditions:
Primary dilated cardiomyopathy (DCM). Also called: Dilated Cardiomyopathy. Identifiers: Orphanet 217604, MedGen C0007193, MeSH D002311, MONDO:0005021, HP:0001644. Inheritance: Various modes of inheritance.

Submission:

All of Us Research Program, National Institutes of Health
Classification: Likely benign for Primary dilated cardiomyopathy. Last evaluated: 2023-04-28. Review status: criteria provided, single submitter. Criteria: ACMG Guidelines, 2015. Collection method: clinical testing. Allele origin: germline. Inheritance: Autosomal dominant inheritance. Observed: 1 variant allele, 1 heterozygote.
Comment: This study involves interpretation of variants in research participants for the purpose of population health screening. Participant phenotype was not available at the time of variant classification. Additional details can be found in publication PMID: 35346344, PMCID: PMC8962531

NM_170707.4(LMNA):c.1158-8C>T

Gene: LMNA (lamin A/C; plus strand). Cytogenetic location: 1q22.
Variant type: single nucleotide variant.
Coding change: c.1158-8C>T on transcript NM_170707.4 (MANE Select); 8 bases into the intron before coding-DNA position 1158, C replaced by T.
Molecular consequence: intron variant.
Genome position (GRCh38, 1-based): chr1:156,136,206, C>T. VCF-style: chr1-156136206-C-T. GRCh37 (hg19) VCF-style: chr1-156105997-C-T.
Other names: c.1158-8C>T (NM_001406983.1, NM_001282625.2, NM_001406984.1 and 6 more transcripts); c.600-8C>T (NM_001407002.1, NM_001406993.1, NM_001407003.1 and 4 more transcripts); c.534-8C>T (NM_001406999.1, NM_001407000.1, NM_001406994.1 and 1 more transcripts); c.915-8C>T (NM_001406986.1, NM_001406987.1, NM_001282624.2); c.822-8C>T (NM_001406989.1, NM_001257374.3, NM_001406998.1); c.861-8C>T (NM_001406988.1).
Identifiers: ClinVar variation 3070555 (VCV003070555.1), dbSNP rs2527995246, ClinGen allele CA2825000854.